The following is an entry in ClinVar:

ClinVar aggregate classification (germline): Pathogenic (1 of 4 stars; one submission).

Conditions:
Cornelia de Lange syndrome 5 (CDLS5). Also called: HDAC8-Related Cornelia de Lange Syndrome. Identifiers: Orphanet 199, MedGen C3550903, MONDO:0010471, OMIM 300882.

Submission:

Labcorp Genetics (formerly Invitae), Labcorp
Classification: Pathogenic for Cornelia de Lange syndrome 5. Last evaluated: 2022-11-22. Review status: criteria provided, single submitter. Criteria: Invitae Variant Classification Sherloc (09022015). Collection method: clinical testing. Allele origin: germline.
Comment: For these reasons, this variant has been classified as Pathogenic. This variant has not been reported in the literature in individuals affected with HDAC8-related conditions. This variant is a gross deletion of the genomic region encompassing exon(s) 9 of the HDAC8 gene. This deletion is out-of-frame, and is expected to create a premature termination codon and result in an absent or disrupted protein product. Loss-of-function variants in HDAC8 are known to be pathogenic (PMID: 19605684, 22885700, 24403048, 25075551, 26671848).

Literature cited by the submitters: PubMed 19605684; PubMed 22885700; PubMed 24403048; PubMed 25075551; PubMed 26671848.

NC_000023.10:g.(?_71681834)_(71681968_?)del

Gene: HDAC8 (histone deacetylase 8; minus strand). Cytogenetic location: Xq13.1.
Variant type: Deletion.
Identifiers: ClinVar variation 2426477 (VCV002426477.4).